The following is an entry in ClinVar:

ClinVar aggregate classification (germline): Benign. Review status: criteria provided, multiple submitters, no conflicts (2 of 4 stars). 3 submissions from 3 submitters: Benign (2). 1 of the submissions does not count toward it. Last evaluated 2019-12-31.

Conditions:
CYP26C1-related disorder. Also called: CYP26C1-related condition.

Allele frequency attached by ClinVar (database versions not stated): 1000 Genomes Project 0.00060; 1000 Genomes Project 30x 0.00062; TOPMed 0.00201; ESP Exome Variant Server 0.00225.
gnomAD v4.1: 4,432 of 1,602,128 alleles (0.28%); highest among the groups gnomAD compares: Non-Finnish European, 0.34%; 9 homozygotes.

Submissions (3):

Labcorp Genetics (formerly Invitae), Labcorp
Classification: Benign. Last evaluated: 2019-12-31. Review status: criteria provided, single submitter. Criteria: Invitae Variant Classification Sherloc (09022015). Collection method: clinical testing. Allele origin: germline.

Breakthrough Genomics
Classification: Benign. Review status: criteria provided, single submitter. Criteria: ACMG Guidelines, 2015. Collection method: not provided. Allele origin: germline. Inheritance: Autosomal recessive inheritance. Affected: yes.

PreventionGenetics, part of Exact Sciences
Classification: Likely benign for CYP26C1-related condition. Last evaluated: 2020-03-03. Review status: no assertion criteria provided. Collection method: clinical testing. Allele origin: germline. Not counted in ClinVar's aggregate classification.
Comment: This variant is classified as likely benign based on ACMG/AMP sequence variant interpretation guidelines (Richards et al. 2015 PMID: 25741868, with internal and published modifications).

NM_183374.3(CYP26C1):c.1401C>G (p.Ala467=)

Gene: CYP26C1 (cytochrome P450 family 26 subfamily C member 1; plus strand). Cytogenetic location: 10q23.33.
Variant type: single nucleotide variant.
Coding change: c.1401C>G on transcript NM_183374.3 (MANE Select); coding-DNA position 1401, C replaced by G.
Protein change: p.Ala467=; no amino-acid change (alanine 467 retained).
Molecular consequence: synonymous variant.
Genome position (GRCh38, 1-based): chr10:93,068,529, C>G. VCF-style: chr10-93068529-C-G. GRCh37 (hg19) VCF-style: chr10-94828286-C-G.
Identifiers: ClinVar variation 784516 (VCV000784516.7), dbSNP rs61729502, ClinGen allele CA5605908.